The following is an entry in ClinVar:

NM_001288705.3(CSF1R):c.2654+12G>T

Gene: CSF1R (colony stimulating factor 1 receptor; minus strand). Cytogenetic location: 5q32.
Variant type: single nucleotide variant.
Coding change: c.2654+12G>T on transcript NM_001288705.3 (MANE Select); 12 bases into the intron after coding-DNA position 2654, G replaced by T.
Molecular consequence: intron variant.
Genome position (GRCh38, 1-based): chr5:150,055,225, C>A on the plus strand (G>T on the coding strand, the complement: CSF1R is on the minus strand). VCF-style: chr5-150055225-C-A. GRCh37 (hg19) VCF-style: chr5-149434788-C-A.
Other names: c.2210+12G>T (NM_001375321.1); c.2654+12G>T (NM_005211.4, NM_001375320.1, NM_001349736.2).
Identifiers: ClinVar variation 1328171 (VCV001328171.12), dbSNP rs1252952936, ClinGen allele CA563564294.
Genomic context (GRCh38, chr5:150,055,225, plus strand): 5'-CACACGGCCTTCCATCCCTTTCCAGCGAAAGCCTGGGGTGTCCTTTTCCCTCCCTGGGAT[C>A]CCTTCGCTTACATATTCTTTGGGGCAAATGCAGGCTGGGCCATTTGGTATCCATCCTTCA-3'

ClinVar aggregate classification (germline): Uncertain significance. Review status: criteria provided, multiple submitters, no conflicts (2 of 4 stars). 3 submissions from 3 submitters: Uncertain significance (3). Last evaluated 2022-11-15.

Conditions:
Hereditary diffuse leukoencephalopathy with spheroids. Also called: LEUKOENCEPHALOPATHY, ADULT-ONSET, WITH AXONAL SPHEROIDS AND PIGMENTED GLIA. Identifiers: Orphanet 313808, MedGen C3711381, MONDO:0030796.

Allele frequency attached by ClinVar (database versions not stated): gnomAD exomes below 0.00001 and 0.00001; TOPMed 0.00001.
gnomAD v4.1: 7 of 1,611,766 alleles (0.00043%); highest among the groups gnomAD compares: Admixed American, 0.0033%; no homozygotes.

Submissions (3):

Blueprint Genetics
Classification: Uncertain significance. Last evaluated: 2022-11-15. Review status: criteria provided, single submitter. Criteria: ACMG Guidelines, 2015. Collection method: clinical testing. Allele origin: germline.

Labcorp Genetics (formerly Invitae), Labcorp
Classification: Uncertain significance. Last evaluated: 2021-07-21. Review status: criteria provided, single submitter. Criteria: Invitae Variant Classification Sherloc (09022015). Collection method: clinical testing. Allele origin: germline.
Comment: In summary, the available evidence is currently insufficient to determine the role of this variant in disease. Therefore, it has been classified as a Variant of Uncertain Significance. Algorithms developed to predict the effect of sequence changes on RNA splicing suggest that this variant may create or strengthen a splice site, but this prediction has not been confirmed by published transcriptional studies. This variant has not been reported in the literature in individuals with CSF1R-related conditions. This variant is not present in population databases (ExAC no frequency). This sequence change falls in intron 20 of the CSF1R gene. It does not directly change the encoded amino acid sequence of the CSF1R protein.

Illumina Laboratory Services, Illumina
Classification: Uncertain significance for Leukoencephalopathy, diffuse hereditary, with spheroids 1. Last evaluated: 2021-07-15. Review status: criteria provided, single submitter. Criteria: ICSLVariantClassificationCriteria RUGD 01 April 2020. Collection method: clinical testing. Allele origin: unknown.
Comment: The CSF1R c.2654+12G>T variant is an intronic variant. A literature search was performed for the gene and cDNA change. No publications were found based on this search. Control data are unavailable for this variant, which is reported at a frequency of 0.000058 in the Latinx/Admixed American population of the Genome Aggregation Database though this is based on two alleles in a region of good sequence coverage, so the variant is presumed to be rare. The SpliceAI prediction tool indicates the c.2654+12G>T variant may result in a splice donor gain (Jaganathan et al. 2019). Based on the limited evidence, the c.2654+12G>T variant is classified as a variant of uncertain significance for hereditary diffuse leukoencephalopathy with axonal spheroids and pigmented glia.

Literature cited by the submitters: PubMed 30661751 (cited by Illumina Laboratory Services, Illumina).